The following is an entry in ClinVar:

NM_000488.4(SERPINC1):c.819G>T (p.Lys273Asn)

Gene: SERPINC1 (serpin family C member 1; minus strand). Cytogenetic location: 1q25.1.
Variant type: single nucleotide variant.
Coding change: c.819G>T on transcript NM_000488.4 (MANE Select); coding-DNA position 819, G replaced by T.
Protein change: p.Lys273Asn; replaces lysine 273 with asparagine.
Molecular consequence: missense variant. On other transcripts: splice acceptor variant (1).
Genome position (GRCh38, 1-based): chr1:173,909,886, C>A on the plus strand (G>T on the coding strand, the complement: SERPINC1 is on the minus strand). VCF-style: chr1-173909886-C-A. GRCh37 (hg19) VCF-style: chr1-173879024-C-A.
Other names: c.675G>T, p.Lys225Asn (NM_001365052.2); c.942G>T, p.Lys314Asn (NM_001386302.1); c.900G>T, p.Lys300Asn (NM_001386303.1); c.798G>T, p.Lys266Asn (NM_001386304.1); c.603G>T, p.Lys201Asn (NM_001386306.1); c.763-1G>T (NM_001386305.1); short protein forms K201N, K225N, K266N, K273N, K300N, K314N.
Identifiers: ClinVar variation 4881795 (VCV004881795.2).

ClinVar aggregate classification (germline): Uncertain significance (1 of 4 stars; one submission).

Submission:

Dasa
Classification: Uncertain significance. Last evaluated: 2026-01-06. Review status: criteria provided, single submitter. Criteria: DASA Assertion Criteria. Collection method: clinical testing. Allele origin: germline.
Comment: NM_001386305.1(SERPINC1):c.763-1G>T affects a canonical splice site and is predicted to disrupt normal RNA splicing. This variant is rare in population databases. The currently available literature and clinical evidence are not sufficient to establish a definitive association between this variant and the reported condition. Therefore, this variant is classified as a variant of uncertain significance.